The following is an entry in ClinVar:

NM_001164665.2(KIAA1549):c.2818A>G (p.Thr940Ala)

Gene: KIAA1549 (KIAA1549; minus strand). Cytogenetic location: 7q34.
Variant type: single nucleotide variant.
Coding change: c.2818A>G on transcript NM_001164665.2 (MANE Select); coding-DNA position 2818, A replaced by G.
Protein change: p.Thr940Ala; replaces threonine 940 with alanine.
Molecular consequence: missense variant.
Genome position (GRCh38, 1-based): chr7:138,916,808, T>C on the plus strand (A>G on the coding strand, the complement: KIAA1549 is on the minus strand). VCF-style: chr7-138916808-T-C. GRCh37 (hg19) VCF-style: chr7-138601554-T-C.
Other names: c.2818A>G, p.Thr940Ala (NM_020910.3); short protein forms T940A.
Identifiers: ClinVar variation 972477 (VCV000972477.8), dbSNP rs200912083, ClinGen allele CA4506404.
Genomic context (GRCh38, chr7:138,916,808, plus strand): 5'-CAGTTGTGATCAGATAGGCATCGGGGACTGTGATATCACAAACATATGGCGGCTTGGCAG[T>C]AGCCAGTGTTGGTGTGTCGACTGTTGCTTCGAGAGTGAAGGCAGTCACGGGACGCAGGGA-3'
Protein context (NP_001158137.1, residues 930-950): EATVDTPTLA[Thr940Ala]AKPPYVCDIT

ClinVar aggregate classification (germline): Conflicting classifications of pathogenicity. Review status: criteria provided, conflicting classifications (1 of 4 stars). 3 submissions from 3 submitters: Uncertain significance (2); Likely benign (1). Last evaluated 2024-11-13.

Conditions:
Inborn genetic diseases. Identifiers: MedGen C0950123, MeSH D030342.

Allele frequency attached by ClinVar (database versions not stated): ESP Exome Variant Server 0.00008; TOPMed 0.00009; gnomAD 0.00011; gnomAD exomes 0.00018 and 0.00020; ExAC 0.00039.
gnomAD v4.1: 277 of 1,613,848 alleles (0.017%); highest among the groups gnomAD compares: Non-Finnish European, 0.022%; 1 homozygote.

Submissions (3):

Ambry Genetics
Classification: Uncertain significance for Inborn genetic diseases. Last evaluated: 2024-11-13. Review status: criteria provided, single submitter. Criteria: Ambry Variant Classification Scheme 2023. Collection method: clinical testing. Allele origin: germline.

Blueprint Genetics
Classification: Likely benign. Last evaluated: 2024-06-07. Review status: criteria provided, single submitter. Criteria: ACMG Guidelines, 2015. Collection method: clinical testing. Allele origin: germline.

Labcorp Genetics (formerly Invitae), Labcorp
Classification: Uncertain significance. Last evaluated: 2024-06-03. Review status: criteria provided, single submitter. Criteria: Invitae Variant Classification Sherloc (09022015). Collection method: clinical testing. Allele origin: germline.
Comment: This sequence change replaces threonine, which is neutral and polar, with alanine, which is neutral and non-polar, at codon 940 of the KIAA1549 protein (p.Thr940Ala). This variant is present in population databases (rs200912083, gnomAD 0.04%). This variant has not been reported in the literature in individuals affected with KIAA1549-related conditions. ClinVar contains an entry for this variant (Variation ID: 972477). Algorithms developed to predict the effect of missense changes on protein structure and function output the following: SIFT: "Not Available"; PolyPhen-2: "Benign"; Align-GVGD: "Not Available". The alanine amino acid residue is found in multiple mammalian species, which suggests that this missense change does not adversely affect protein function. In summary, the available evidence is currently insufficient to determine the role of this variant in disease. Therefore, it has been classified as a Variant of Uncertain Significance.